The following is an entry in ClinVar:

ClinVar aggregate classification (germline): Uncertain significance (1 of 4 stars; one submission).

gnomAD v4.1: 3 of 1,613,800 alleles (0.00019%); highest among the groups gnomAD compares: Admixed American, 0.0017%; no homozygotes.

Submission:

GeneDx
Classification: Uncertain significance. Last evaluated: 2025-05-14. Review status: criteria provided, single submitter. Criteria: GeneDx Variant Classification Process June 2021. Collection method: clinical testing. Allele origin: germline. Affected: yes.
Comment: Not observed at significant frequency in large population cohorts (gnomAD); In silico analysis suggests that this missense variant does not alter protein structure/function; Has not been previously published as pathogenic or benign to our knowledge

NM_001378454.1(ALMS1):c.3532G>A (p.Gly1178Ser)

Gene: ALMS1 (ALMS1 centrosome and basal body associated protein; plus strand). Cytogenetic location: 2p13.1.
Variant type: single nucleotide variant.
Coding change: c.3532G>A on transcript NM_001378454.1 (MANE Select); coding-DNA position 3532, G replaced by A.
Protein change: p.Gly1178Ser; replaces glycine 1178 with serine.
Molecular consequence: missense variant.
Genome position (GRCh38, 1-based): chr2:73,450,059, G>A. VCF-style: chr2-73450059-G-A. GRCh37 (hg19) VCF-style: chr2-73677186-G-A.
Other names: c.3535G>A, p.Gly1179Ser (NM_015120.4); short protein forms G1178S, G1179S.
Identifiers: ClinVar variation 4529781 (VCV004529781.1).